The following is an entry in ClinVar:

NM_004006.3(DMD):c.2103G>A (p.Glu701=)

Gene: DMD (dystrophin; minus strand). Cytogenetic location: Xp21.1.
Variant type: single nucleotide variant.
Coding change: c.2103G>A on transcript NM_004006.3 (MANE Select); coding-DNA position 2103, G replaced by A.
Protein change: p.Glu701=; no amino-acid change (glutamic acid 701 retained).
Molecular consequence: synonymous variant.
Genome position (GRCh38, 1-based): chrX:32,545,224, C>T on the plus strand (G>A on the coding strand, the complement: DMD is on the minus strand). VCF-style: chrX-32545224-C-T. GRCh37 (hg19) VCF-style: chrX-32563341-C-T.
Other names: c.2079G>A, p.Glu693= (NM_000109.4); c.2091G>A, p.Glu697= (NM_004009.3); c.1734G>A, p.Glu578= (NM_004010.3).
Identifiers: ClinVar variation 4820548 (VCV004820548.1).
Genomic context (GRCh38, chrX:32,545,224, plus strand): 5'-CCTAATTTCAGAATCCACAGTAATCTGCCTCTTCTTTTGGGGAGGTGGTGGTGGAAGTTC[C>T]TCTTGAGCATGCTTTACCAGGATCTGTTCCCTTGTGGTCACCGTAGTTACTGTTTCCATT-3'
Protein context (NP_003997.2, residues 691-711): REQILVKHAQ[Glu701=]ELPPPPPQKK

ClinVar aggregate classification (germline): Likely benign (1 of 4 stars; one submission).

Submission:

Molecular Diagnostic Laboratory for Inherited Cardiovascular Disease, Montreal Heart Institute
Classification: Likely benign. Last evaluated: 2026-03-27. Review status: criteria provided, single submitter. Criteria: ACMG Guidelines, 2015. Collection method: clinical testing. Allele origin: germline. Affected: no.
Comment: PM2;BP7